The following is an entry in ClinVar:

ClinVar aggregate classification (germline): Uncertain significance (1 of 4 stars; one submission).

Submission:

Labcorp Genetics (formerly Invitae), Labcorp
Classification: Uncertain significance. Last evaluated: 2023-11-24. Review status: criteria provided, single submitter. Criteria: Invitae Variant Classification Sherloc (09022015). Collection method: clinical testing. Allele origin: germline.
Comment: This sequence change replaces glutamine, which is neutral and polar, with proline, which is neutral and non-polar, at codon 262 of the ALPK1 protein (p.Gln262Pro). This variant is not present in population databases (gnomAD no frequency). This variant has not been reported in the literature in individuals affected with ALPK1-related conditions. Advanced modeling of protein sequence and biophysical properties (such as structural, functional, and spatial information, amino acid conservation, physicochemical variation, residue mobility, and thermodynamic stability) performed at Invitae indicates that this missense variant is expected to disrupt ALPK1 protein function with a positive predictive value of 80%. In summary, the available evidence is currently insufficient to determine the role of this variant in disease. Therefore, it has been classified as a Variant of Uncertain Significance.

NM_025144.4(ALPK1):c.785A>C (p.Gln262Pro)

Gene: ALPK1 (alpha kinase 1; plus strand). Cytogenetic location: 4q25.
Variant type: single nucleotide variant.
Coding change: c.785A>C on transcript NM_025144.4 (MANE Select); coding-DNA position 785, A replaced by C.
Protein change: p.Gln262Pro; replaces glutamine 262 with proline.
Molecular consequence: missense variant.
Genome position (GRCh38, 1-based): chr4:112,427,655, A>C. VCF-style: chr4-112427655-A-C. GRCh37 (hg19) VCF-style: chr4-113348811-A-C.
Other names: c.785A>C, p.Gln262Pro (NM_001102406.2); c.551A>C, p.Gln184Pro (NM_001253884.2); short protein forms Q184P, Q262P.
Identifiers: ClinVar variation 2698803 (VCV002698803.3), dbSNP rs1005588517, ClinGen allele CA357888703.